The following is an entry in ClinVar:

NM_001025603.2(RFX5):c.1847C>T (p.Pro616Leu)

Gene: RFX5 (regulatory factor X5; minus strand). Cytogenetic location: 1q21.3.
Variant type: single nucleotide variant.
Coding change: c.1847C>T on transcript NM_001025603.2 (MANE Select); coding-DNA position 1847, C replaced by T.
Protein change: p.Pro616Leu; replaces proline 616 with leucine.
Molecular consequence: missense variant.
Genome position (GRCh38, 1-based): chr1:151,342,190, G>A on the plus strand (C>T on the coding strand, the complement: RFX5 is on the minus strand). VCF-style: chr1-151342190-G-A. GRCh37 (hg19) VCF-style: chr1-151314666-G-A.
Other names: c.1847C>T, p.Pro616Leu (NM_000449.4, NM_001379412.1, NM_001379413.1 and 5 more transcripts); c.1727C>T, p.Pro576Leu (NM_001379419.1, NM_001379420.1); short protein forms P576L, P616L.
Identifiers: ClinVar variation 1964813 (VCV001964813.5), dbSNP rs762180594, ClinGen allele CA29557403.

ClinVar aggregate classification (germline): Uncertain significance (1 of 4 stars; one submission).

Conditions:
MHC class II deficiency. Also called: Bare lymphocyte syndrome 2; BLS, TYPE II. Identifiers: Orphanet 572, MedGen C5447452, MONDO:0008855.

Allele frequency attached by ClinVar (database versions not stated): gnomAD exomes below 0.00001; TOPMed below 0.00001.
gnomAD v4.1: 6 of 1,614,166 alleles (0.00037%); highest among the groups gnomAD compares: Non-Finnish European, 0.00051%; no homozygotes.

Submission:

Labcorp Genetics (formerly Invitae), Labcorp
Classification: Uncertain significance for MHC class II deficiency. Last evaluated: 2022-07-08. Review status: criteria provided, single submitter. Criteria: Invitae Variant Classification Sherloc (09022015). Collection method: clinical testing. Allele origin: germline.
Comment: This variant has not been reported in the literature in individuals affected with RFX5-related conditions. This sequence change replaces proline, which is neutral and non-polar, with leucine, which is neutral and non-polar, at codon 616 of the RFX5 protein (p.Pro616Leu). This variant is present in population databases (rs762180594, gnomAD 0.0009%). Algorithms developed to predict the effect of missense changes on protein structure and function are either unavailable or do not agree on the potential impact of this missense change (SIFT: "Tolerated"; PolyPhen-2: "Probably Damaging"; Align-GVGD: "Class C0"). In summary, the available evidence is currently insufficient to determine the role of this variant in disease. Therefore, it has been classified as a Variant of Uncertain Significance.